The following is an entry in ClinVar:

ClinVar aggregate classification (germline): Conflicting classifications of pathogenicity. Review status: criteria provided, conflicting classifications (1 of 4 stars). 3 submissions from 3 submitters: Uncertain significance (1); Likely benign (1). 1 of the submissions does not count toward it. Last evaluated 2025-10-30.

Conditions:
COL10A1-related disorder. Also called: COL10A1-related condition.
Inborn genetic diseases. Identifiers: MedGen C0950123, MeSH D030342.

Allele frequency attached by ClinVar (database versions not stated): gnomAD 0.00001; gnomAD exomes 0.00006 and 0.00028; TOPMed 0.00014; ExAC 0.00023.
gnomAD v4.1: 91 of 1,613,762 alleles (0.0056%); highest among the groups gnomAD compares: Admixed American, 0.12%; 1 homozygote.

Submissions (3):

Labcorp Genetics (formerly Invitae), Labcorp
Classification: Likely benign. Last evaluated: 2025-10-30. Review status: criteria provided, single submitter. Criteria: Invitae Variant Classification Sherloc (09022015). Collection method: clinical testing. Allele origin: germline.

Ambry Genetics
Classification: Uncertain significance for Inborn genetic diseases. Last evaluated: 2024-05-30. Review status: criteria provided, single submitter. Criteria: Ambry Variant Classification Scheme 2023. Collection method: clinical testing. Allele origin: germline.

PreventionGenetics, part of Exact Sciences
Classification: Likely benign for COL10A1-related condition. Last evaluated: 2020-12-09. Review status: no assertion criteria provided. Collection method: clinical testing. Allele origin: germline. Not counted in ClinVar's aggregate classification.
Comment: This variant is classified as likely benign based on ACMG/AMP sequence variant interpretation guidelines (Richards et al. 2015 PMID: 25741868, with internal and published modifications).

NM_000493.4(COL10A1):c.1052T>A (p.Ile351Asn)

Genes: COL10A1 (collagen type X alpha 1 chain; minus strand), NT5DC1 (5'-nucleotidase domain containing 1; plus strand). Cytogenetic location: 6q22.1.
Variant type: single nucleotide variant.
Coding change: c.1052T>A on transcript NM_000493.4 (MANE Select); coding-DNA position 1052, T replaced by A.
Protein change: p.Ile351Asn; replaces isoleucine 351 with asparagine.
Molecular consequence: missense variant. On other transcripts: intron variant (1).
Genome position (GRCh38, 1-based): chr6:116,121,064, A>T on the plus strand (T>A on the coding strand, the complement: COL10A1 is on the minus strand). VCF-style: chr6-116121064-A-T. GRCh37 (hg19) VCF-style: chr6-116442227-A-T.
Other names: c.1052T>A, p.Ile351Asn (NM_001424106.1, NM_001424107.1); c.529+3119A>T (NM_152729.3); short protein forms I351N.
Identifiers: ClinVar variation 1595269 (VCV001595269.13), dbSNP rs762967865, ClinGen allele CA3968263.